The following is an entry in ClinVar:

NM_000548.5(TSC2):c.2577C>G (p.Asn859Lys)

Gene: TSC2 (TSC complex subunit 2; plus strand). Cytogenetic location: 16p13.3.
Variant type: single nucleotide variant.
Coding change: c.2577C>G on transcript NM_000548.5 (MANE Select); coding-DNA position 2577, C replaced by G.
Protein change: p.Asn859Lys; replaces asparagine 859 with lysine.
Molecular consequence: missense variant. On other transcripts: non-coding transcript variant (5).
Genome position (GRCh38, 1-based): chr16:2,075,830, C>G. VCF-style: chr16-2075830-C-G. GRCh37 (hg19) VCF-style: chr16-2125831-C-G.
Other names: c.1233C>G, p.Asn411Lys (NM_001406693.1, NM_001406694.1, NM_001406695.1 and 6 more transcripts); c.2577C>G, p.Asn859Lys (NM_001114382.3, NM_001363528.2, NM_001370404.1 and 6 more transcripts); c.2466C>G, p.Asn822Lys (NM_001318827.2, NM_001406670.1, NM_001406678.1); c.2430C>G, p.Asn810Lys (NM_001318829.2, NM_001406675.1, NM_001406676.1 and 1 more transcripts); c.1977C>G, p.Asn659Lys (NM_001318831.2, NM_001406680.1, NM_001406682.1 and 6 more transcripts); c.2610C>G, p.Asn870Lys (NM_001318832.2); c.2667C>G, p.Asn889Lys (NM_001406667.1, NM_001406668.1); c.2565C>G, p.Asn855Lys (NM_001406671.1, NM_001406673.1); and 3 more; short protein forms N659K, N810K, N840K, N870K, N855K, N889K, N325K, N705K.
Identifiers: ClinVar variation 2708598 (VCV002708598.3), dbSNP rs1555508337, ClinGen allele CA394278364.

ClinVar aggregate classification (germline): Uncertain significance (1 of 4 stars; one submission).

Conditions:
Tuberous sclerosis 2 (TSC2). Identifiers: Orphanet 805, MedGen C1860707, MONDO:0013199, OMIM 613254.

Submission:

Labcorp Genetics (formerly Invitae), Labcorp
Classification: Uncertain significance for Tuberous sclerosis 2. Last evaluated: 2023-05-24. Review status: criteria provided, single submitter. Criteria: Invitae Variant Classification Sherloc (09022015). Collection method: clinical testing. Allele origin: germline.
Comment: In summary, the available evidence is currently insufficient to determine the role of this variant in disease. Therefore, it has been classified as a Variant of Uncertain Significance. Advanced modeling of protein sequence and biophysical properties (such as structural, functional, and spatial information, amino acid conservation, physicochemical variation, residue mobility, and thermodynamic stability) performed at Invitae indicates that this missense variant is not expected to disrupt TSC2 protein function. This variant has not been reported in the literature in individuals affected with TSC2-related conditions. This variant is not present in population databases (gnomAD no frequency). This sequence change replaces asparagine, which is neutral and polar, with lysine, which is basic and polar, at codon 859 of the TSC2 protein (p.Asn859Lys).